The following is an entry in ClinVar:

NM_025207.5(FLAD1):c.130C>T (p.Leu44Phe)

Gene: FLAD1 (flavin adenine dinucleotide synthetase 1; plus strand). Cytogenetic location: 1q21.3.
Variant type: single nucleotide variant.
Coding change: c.130C>T on transcript NM_025207.5 (MANE Select); coding-DNA position 130, C replaced by T.
Protein change: p.Leu44Phe; replaces leucine 44 with phenylalanine.
Molecular consequence: missense variant. On other transcripts: intron variant (3).
Genome position (GRCh38, 1-based): chr1:154,983,824, C>T. VCF-style: chr1-154983824-C-T. GRCh37 (hg19) VCF-style: chr1-154956300-C-T.
Other names: c.-144-18C>T (NM_001184891.2, NM_201398.3); c.-789-18C>T (NM_001184892.2); c.130C>T (NM_025207.4); short protein forms L44F.
Identifiers: ClinVar variation 2052021 (VCV002052021.2), dbSNP rs146082473, ClinGen allele CA1134234.

ClinVar aggregate classification (germline): Uncertain significance. Review status: criteria provided, multiple submitters, no conflicts (2 of 4 stars). 2 submissions from 2 submitters: Uncertain significance (2). Last evaluated 2022-11-18.

Allele frequency attached by ClinVar (database versions not stated): gnomAD 0.00008; ExAC 0.00012; TOPMed 0.00012; ESP Exome Variant Server 0.00023.
gnomAD v4.1: 252 of 1,614,066 alleles (0.016%); highest among the groups gnomAD compares: Non-Finnish European, 0.021%; no homozygotes.

Submissions (2):

GeneDx
Classification: Uncertain significance. Last evaluated: 2022-11-18. Review status: criteria provided, single submitter. Criteria: GeneDx Variant Classification Process June 2021. Collection method: clinical testing. Allele origin: germline. Affected: yes.
Comment: In silico analysis supports that this missense variant does not alter protein structure/function; Has not been previously published as pathogenic or benign to our knowledge

Labcorp Genetics (formerly Invitae), Labcorp
Classification: Uncertain significance. Last evaluated: 2022-08-02. Review status: criteria provided, single submitter. Criteria: Invitae Variant Classification Sherloc (09022015). Collection method: clinical testing. Allele origin: germline.
Comment: This sequence change replaces leucine, which is neutral and non-polar, with phenylalanine, which is neutral and non-polar, at codon 44 of the FLAD1 protein (p.Leu44Phe). This variant is present in population databases (rs146082473, gnomAD 0.02%). This variant has not been reported in the literature in individuals affected with FLAD1-related conditions. Algorithms developed to predict the effect of missense changes on protein structure and function (SIFT, PolyPhen-2, Align-GVGD) all suggest that this variant is likely to be tolerated. In summary, the available evidence is currently insufficient to determine the role of this variant in disease. Therefore, it has been classified as a Variant of Uncertain Significance.